The following is an entry in ClinVar:

NM_000090.4(COL3A1):c.50A>T (p.His17Leu)

Gene: COL3A1 (collagen type III alpha 1 chain; plus strand). Cytogenetic location: 2q32.2.
Variant type: single nucleotide variant.
Coding change: c.50A>T on transcript NM_000090.4 (MANE Select); coding-DNA position 50, A replaced by T.
Protein change: p.His17Leu; replaces histidine 17 with leucine.
Molecular consequence: missense variant.
Genome position (GRCh38, 1-based): chr2:188,974,539, A>T. VCF-style: chr2-188974539-A-T. GRCh37 (hg19) VCF-style: chr2-189839265-A-T.
Other names: short protein forms H17L.
Identifiers: ClinVar variation 925243 (VCV000925243.13), dbSNP rs1311785540, ClinGen allele CA349845441.

ClinVar aggregate classification (germline): Uncertain significance. Review status: criteria provided, multiple submitters, no conflicts (2 of 4 stars). 2 submissions from 2 submitters: Uncertain significance (2). Last evaluated 2025-07-29.

Conditions:
Ehlers-Danlos syndrome, type 4 (EDSVASC). Also called: Ehlers-Danlos syndrome vascular type; Ehlers Danlos syndrome, ecchymotic type; Ehlers Danlos syndrome, arterial type; Ehlers Danlos syndrome, Sack-Barabas type; Ehlers-Danlos Syndrome Type IV. Identifiers: Orphanet 286, MedGen C0268338, MONDO:0017314, OMIM 130050.
Familial thoracic aortic aneurysm and aortic dissection (TAAD). Also called: Thoracic aortic aneurysms and dissections. Identifiers: Orphanet 91387, MedGen C4707243, MONDO:0019625.

Allele frequency attached by ClinVar (database versions not stated): gnomAD 0.00001; TOPMed 0.00001.
gnomAD v4.1: 2 of 1,613,960 alleles (0.00012%); highest among the groups gnomAD compares: Non-Finnish European, 0.00017%; no homozygotes.

Submissions (2):

Labcorp Genetics (formerly Invitae), Labcorp
Classification: Uncertain significance for Ehlers-Danlos syndrome, type 4. Last evaluated: 2025-07-29. Review status: criteria provided, single submitter. Criteria: Invitae Variant Classification Sherloc (09022015). Collection method: clinical testing. Allele origin: germline.
Comment: This sequence change replaces histidine, which is basic and polar, with leucine, which is neutral and non-polar, at codon 17 of the COL3A1 protein (p.His17Leu). This variant is not present in population databases (gnomAD no frequency). This variant has not been reported in the literature in individuals affected with COL3A1-related conditions. ClinVar contains an entry for this variant (Variation ID: 925243). Invitae Evidence Modeling of protein sequence and biophysical properties (such as structural, functional, and spatial information, amino acid conservation, physicochemical variation, residue mobility, and thermodynamic stability) indicates that this missense variant is not expected to disrupt COL3A1 protein function with a negative predictive value of 95%. In summary, the available evidence is currently insufficient to determine the role of this variant in disease. Therefore, it has been classified as a Variant of Uncertain Significance.

Color Diagnostics, LLC DBA Color Health
Classification: Uncertain significance for Familial thoracic aortic aneurysm and aortic dissection. Last evaluated: 2024-03-06. Review status: criteria provided, single submitter. Criteria: ACMG Guidelines, 2015. Collection method: clinical testing. Allele origin: germline.
Comment: This missense variant replaces histidine with leucine at codon 17 of the COL3A1 protein. Computational prediction suggests that this variant may not impact protein structure and function (internally defined REVEL score threshold <= 0.5, PMID: 27666373). To our knowledge, functional studies have not been reported for this variant. This variant has not been reported in individuals affected with cardiovascular disorders in the literature. This variant has not been identified in the general population by the Genome Aggregation Database (gnomAD). The available evidence is insufficient to determine the role of this variant in disease conclusively. Therefore, this variant is classified as a Variant of Uncertain Significance.